The following is an entry in ClinVar:

ClinVar aggregate classification (germline): Benign (1 of 4 stars; one submission).

Conditions:
Pseudohypoparathyroidism type 1B (PHP1B). Also called: PHP IB; Pseudohypoparathyroidism Ib (PHP-Ib); Pseudohypoparathyroidism Type IB. Identifiers: Orphanet 94089, MedGen C1864100, MONDO:0011301, OMIM 603233.

Allele frequency attached by ClinVar (database versions not stated): gnomAD exomes 0.00029; 1000 Genomes Project 30x 0.00219; 1000 Genomes Project 0.00220; gnomAD 0.00235 and 0.00250; TOPMed 0.00283.
gnomAD v4.1: 380 of 238,992 alleles (0.16%); highest among the groups gnomAD compares: African/African-American, 0.81%; 2 homozygotes.

Submission:

Illumina Laboratory Services, Illumina
Classification: Benign for Pseudohypoparathyroidism type 1B. Last evaluated: 2018-01-13. Review status: criteria provided, single submitter. Criteria: ICSL Variant Classification Criteria 13 December 2019. Collection method: clinical testing. Allele origin: germline.
Comment: This variant was observed in the ICSL laboratory as part of a predisposition screen in an ostensibly healthy population. It had not been previously curated by ICSL or reported in the Human Gene Mutation Database (HGMD: prior to June 1st, 2018), and was therefore a candidate for classification through an automated scoring system. Utilizing variant allele frequency, disease prevalence and penetrance estimates, and inheritance mode, an automated score was calculated to assess if this variant is too frequent to cause the disease. Based on the score and internal cut-off values, a variant classified as benign is not then subjected to further curation. The score for this variant resulted in a classification of benign for this disease.

NM_001001433.3(STX16):c.-355C>T

Genes: STX16 (syntaxin 16; plus strand), STX16-NPEPL1 (STX16-NPEPL1 readthrough (NMD candidate); plus strand). Cytogenetic location: 20q13.32.
Variant type: single nucleotide variant.
Coding change: c.-355C>T on transcript NM_001001433.3 (MANE Select); 355 bases upstream of the start codon, C replaced by T.
Molecular consequence: 5 prime UTR variant. On other transcripts: non-coding transcript variant (2), intron variant (1).
Genome position (GRCh38, 1-based): chr20:58,651,652, C>T. VCF-style: chr20-58651652-C-T. GRCh37 (hg19) VCF-style: chr20-57226708-C-T.
Other names: c.-355C>T (NM_001134772.3, NM_001134773.3, NM_003763.6); c.-94+218C>T (NM_001204868.2).
Identifiers: ClinVar variation 339039 (VCV000339039.5), dbSNP rs141733765, ClinGen allele CA10650055.